The following is an entry in ClinVar:

ClinVar aggregate classification (germline): Uncertain significance (1 of 4 stars; one submission).

Conditions:
Hepatic methionine adenosyltransferase deficiency. Also called: Deficiency of methionine adenosyltransferase; MAT I/III DEFICIENCY; Isolated Persistent Hypermethioninemia; Methionine adenosyltransferase deficiency. Identifiers: Orphanet 168598, MedGen C0268621, MeSH C564683, MONDO:0009607, OMIM 250850.

Allele frequency attached by ClinVar (database versions not stated): gnomAD 0.00001; TOPMed 0.00001.
gnomAD v4.1: 13 of 1,614,062 alleles (0.00081%); highest among the groups gnomAD compares: Non-Finnish European, 0.00093%; no homozygotes.

Submission:

Labcorp Genetics (formerly Invitae), Labcorp
Classification: Uncertain significance for Hepatic methionine adenosyltransferase deficiency. Last evaluated: 2022-06-15. Review status: criteria provided, single submitter. Criteria: Invitae Variant Classification Sherloc (09022015). Collection method: clinical testing. Allele origin: germline.
Comment: This sequence change replaces lysine, which is basic and polar, with threonine, which is neutral and polar, at codon 234 of the MAT1A protein (p.Lys234Thr). In summary, the available evidence is currently insufficient to determine the role of this variant in disease. Therefore, it has been classified as a Variant of Uncertain Significance. Algorithms developed to predict the effect of missense changes on protein structure and function (SIFT, PolyPhen-2, Align-GVGD) all suggest that this variant is likely to be tolerated. This variant has not been reported in the literature in individuals affected with MAT1A-related conditions. This variant is present in population databases (no rsID available, gnomAD 0.004%).

NM_000429.3(MAT1A):c.701A>C (p.Lys234Thr)

Gene: MAT1A (methionine adenosyltransferase 1A; minus strand). Cytogenetic location: 10q22.3.
Variant type: single nucleotide variant.
Coding change: c.701A>C on transcript NM_000429.3 (MANE Select); coding-DNA position 701, A replaced by C.
Protein change: p.Lys234Thr; replaces lysine 234 with threonine.
Molecular consequence: missense variant.
Genome position (GRCh38, 1-based): chr10:80,276,443, T>G on the plus strand (A>C on the coding strand, the complement: MAT1A is on the minus strand). VCF-style: chr10-80276443-T-G. GRCh37 (hg19) VCF-style: chr10-82036199-T-G.
Other names: short protein forms K234T.
Identifiers: ClinVar variation 1958862 (VCV001958862.5), dbSNP rs1032054746, ClinGen allele CA210323740.
Genomic context (GRCh38, chr10:80,276,443, plus strand): 5'-CCTCCGATGACAAACCGCCCACTGGGCTGCAGGTGGTAGACGGTGTCTTCGTCCAGGTAC[T>G]TGGCCGGCACCACGGCCCTGATGACTTGCTCCTTCAGGGCCCTGCGCATCTCCTCCAGCG-3'
Protein context (NP_000420.1, residues 224-244): EQVIRAVVPA[Lys234Thr]YLDEDTVYHL